The following is an entry in ClinVar:

NM_007294.4(BRCA1):c.5075-745A>T

Gene: BRCA1 (BRCA1 DNA repair associated; minus strand). Cytogenetic location: 17q21.31.
Variant type: single nucleotide variant.
Coding change: c.5075-745A>T on transcript NM_007294.4 (MANE Select); 745 bases into the intron before coding-DNA position 5075, A replaced by T.
Molecular consequence: intron variant.
Genome position (GRCh38, 1-based): chr17:43,064,696, T>A on the plus strand (A>T on the coding strand, the complement: BRCA1 is on the minus strand). VCF-style: chr17-43064696-T-A. GRCh37 (hg19) VCF-style: chr17-41216713-T-A.
Other names: IVS 17-745A>T; c.1622-745A>T (NM_001408458.1, NM_001408461.1, NM_001408464.1 and 7 more transcripts); c.4184-745A>T (NM_001407967.1); c.4694-745A>T (NM_001407959.1); c.4808-745A>T (NM_001407931.1, NM_001407932.1, NM_001407928.1 and 4 more transcripts); c.4931-745A>T (NM_001407747.1, NM_001407745.1, NM_001407737.1 and 21 more transcripts); c.4691-745A>T (NM_001407962.1, NM_001407960.1); c.1262-745A>T (NM_001408512.1); and 74 more.
Identifiers: ClinVar variation 209326 (VCV000209326.2), dbSNP rs8176252, ClinGen allele CA276298.

ClinVar aggregate classification (germline): Benign (3 of 4 stars; one submission).

Conditions:
Breast-ovarian cancer, familial, susceptibility to, 1 (BROVCA1). Also called: BRCA1 Hereditary Breast and Ovarian Cancer; OVARIAN CANCER, SUSCEPTIBILITY TO. Identifiers: Orphanet 145, MedGen C2676676, MONDO:0011450, OMIM 604370. Disease mechanism: loss of function.

Allele frequency attached by ClinVar (database versions not stated): gnomAD 0.00102 and 0.00139; TOPMed 0.00153; 1000 Genomes Project 30x 0.00750; 1000 Genomes Project 0.00819.
gnomAD v4.1: 212 of 152,288 alleles (0.14%); highest among the groups gnomAD compares: East Asian, 3.6%; 2 homozygotes.

Submission:

Evidence-based Network for the Interpretation of Germline Mutant Alleles (ENIGMA)
Classification: Benign for Breast-ovarian cancer, familial 1. Last evaluated: 2015-01-12. Review status: reviewed by expert panel. Criteria: ENIGMA BRCA1/2 Classification Criteria (2015). Collection method: curation. Allele origin: germline.
Comment: Class 1 not pathogenic based on frequency >1% in an outbred sampleset. Frequency 0.02098 (Asian), derived from 1000 genomes (2012-04-30).